The following is an entry in ClinVar:

ClinVar aggregate classification (germline): Benign. Review status: criteria provided, multiple submitters, no conflicts (2 of 4 stars). 5 submissions from 5 submitters: Benign (3). 2 of the submissions do not count toward it. Last evaluated 2026-02-01.

Conditions:
Junctional epidermolysis bullosa with pyloric atresia. Also called: EPIDERMOLYSIS BULLOSA, JUNCTIONAL 5B, WITH PYLORIC ATRESIA; Junctional Epidermolysis Bullosa- Pyloric Atresia Syndrome; APLASIA CUTIS CONGENITA WITH GASTROINTESTINAL ATRESIA; CARMI SYNDROME; EB-PA-ACC; ITGB4-Related Epidermolysis Bullosa with Pyloric Atresia. Identifiers: Orphanet 79403, MedGen C5676875, MONDO:0009183, OMIM 226730.

Allele frequency attached by ClinVar (database versions not stated): gnomAD 0.00059 and 0.00123; TOPMed 0.00083; gnomAD exomes 0.00344 and 0.00206; 1000 Genomes Project 30x 0.00562; 1000 Genomes Project 0.00619; ExAC 0.00394; ESP Exome Variant Server 0.00069.
gnomAD v4.1: 3,229 of 1,612,892 alleles (0.2%); highest among the groups gnomAD compares: South Asian, 1.9%; 50 homozygotes.

Submissions (5):

Labcorp Genetics (formerly Invitae), Labcorp
Classification: Benign. Last evaluated: 2026-02-01. Review status: criteria provided, single submitter. Criteria: Invitae Variant Classification Sherloc (09022015). Collection method: clinical testing. Allele origin: germline.

Illumina Laboratory Services, Illumina
Classification: Benign for Junctional epidermolysis bullosa with pyloric atresia. Last evaluated: 2018-01-12. Review status: criteria provided, single submitter. Criteria: ICSL Variant Classification Criteria 13 December 2019. Collection method: clinical testing. Allele origin: germline.
Comment: This variant was observed in the ICSL laboratory as part of a predisposition screen in an ostensibly healthy population. It had not been previously curated by ICSL or reported in the Human Gene Mutation Database (HGMD: prior to June 1st, 2018), and was therefore a candidate for classification through an automated scoring system. Utilizing variant allele frequency, disease prevalence and penetrance estimates, and inheritance mode, an automated score was calculated to assess if this variant is too frequent to cause the disease. Based on the score and internal cut-off values, a variant classified as benign is not then subjected to further curation. The score for this variant resulted in a classification of benign for this disease.

Breakthrough Genomics
Classification: Benign. Review status: criteria provided, single submitter. Criteria: ACMG Guidelines, 2015. Collection method: not provided. Allele origin: germline. Inheritance: Autosomal recessive inheritance. Affected: yes.

Diagnostic Laboratory, Department of Genetics, University Medical Center Groningen
Classification: Benign. Review status: no assertion criteria provided. Collection method: clinical testing. Allele origin: germline. Affected: yes. Study: VKGL Data-share Consensus. Not counted in ClinVar's aggregate classification.

Genome Diagnostics Laboratory, University Medical Center Utrecht
Classification: Benign. Review status: no assertion criteria provided. Collection method: clinical testing. Allele origin: germline. Affected: yes. Study: VKGL Data-share Consensus. Not counted in ClinVar's aggregate classification.

NM_000213.5(ITGB4):c.4559-4C>G

Genes: GALK1 (galactokinase 1; minus strand), ITGB4 (integrin subunit beta 4; plus strand). Cytogenetic location: 17q25.1.
Variant type: single nucleotide variant.
Coding change: c.4559-4C>G on transcript NM_000213.5 (MANE Select); 4 bases into the intron before coding-DNA position 4559, C replaced by G.
Molecular consequence: intron variant.
Genome position (GRCh38, 1-based): chr17:75,755,697, C>G. VCF-style: chr17-75755697-C-G. GRCh37 (hg19) VCF-style: chr17-73751778-C-G.
Other names: c.4508-4C>G (NM_001005619.2); c.4349-4C>G (NM_001005731.3, NM_001321123.2); c.4349-732C>G (NM_001438834.1); c.*22+2337G>C (NM_001381985.1).
Identifiers: ClinVar variation 325195 (VCV000325195.14), dbSNP rs199620842, ClinGen allele CA8770238.
Genomic context (GRCh38, chr17:75,755,697, plus strand): 5'-ACTGTGACTCCCACTGAGACCCTAGCCCCTGCATCTCTGGCTGACTGCGGCCTCCTGTCC[C>G]CAGACTCTCGCCTGACTGCTGGTGTGCCCGACACGCCCACCCGCCTGGTGTTCTCTGCCC-3'